The following is an entry in ClinVar:

NM_000322.5(PRPH2):c.719del (p.Thr240fs)

Gene: PRPH2 (peripherin 2; minus strand). Cytogenetic location: 6p21.1.
Variant type: Deletion.
Coding change: c.719del on transcript NM_000322.5 (MANE Select); coding-DNA position 719, one base deleted (C; older notation c.719delC).
Protein change: p.Thr240fs; shifts the reading frame from threonine 240.
Molecular consequence: frameshift variant.
Genome position (GRCh38, 1-based): chr6:42,704,474, G deleted on the plus strand (C on the coding strand, the reverse complement: PRPH2 is on the minus strand). VCF-style (leftmost placement, unchanged base first): chr6-42704473-CG-C. GRCh37 (hg19) VCF-style: chr6-42672211-CG-C.
Other names: short protein forms T240fs.
Identifiers: ClinVar variation 2012677 (VCV002012677.4), dbSNP rs2548300729, ClinGen allele CA2580074600.

ClinVar aggregate classification (germline): Pathogenic (1 of 4 stars; one submission).

Conditions:
PRPH2-related disorder. Also called: PRPH2-related condition; PRPH2-related disorders. Identifiers: MedGen CN239395.

Submission:

Labcorp Genetics (formerly Invitae), Labcorp
Classification: Pathogenic for PRPH2-related disorder. Last evaluated: 2024-12-02. Review status: criteria provided, single submitter. Criteria: Invitae Variant Classification Sherloc (09022015). Collection method: clinical testing. Allele origin: germline.
Comment: This sequence change creates a premature translational stop signal (p.Thr240Argfs*16) in the PRPH2 gene. It is expected to result in an absent or disrupted protein product. Loss-of-function variants in PRPH2 are known to be pathogenic (PMID: 8111389, 8485575, 8485576, 8675410, 16916875, 17504850, 22863181, 25675413, 26061163, 27365499, 29555955, 33546218). This variant is not present in population databases (gnomAD no frequency). This variant has not been reported in the literature in individuals affected with PRPH2-related conditions. ClinVar contains an entry for this variant (Variation ID: 2012677). For these reasons, this variant has been classified as Pathogenic.

Literature cited by the submitters: PubMed 8111389; PubMed 8485575; PubMed 8485576; PubMed 8675410; PubMed 16916875; PubMed 17504850; PubMed 22863181; PubMed 25675413; PubMed 26061163; PubMed 27365499; PubMed 29555955; PubMed 33546218.